The following is an entry in ClinVar:

ClinVar aggregate classification (germline): Uncertain significance. Review status: criteria provided, multiple submitters, no conflicts (2 of 4 stars). 2 submissions from 2 submitters: Uncertain significance (2). Last evaluated 2025-10-11.

Allele frequency attached by ClinVar (database versions not stated): gnomAD exomes below 0.00001.
gnomAD v4.1: 2 of 1,612,468 alleles (0.00012%); highest among the groups gnomAD compares: Non-Finnish European, 0.00017%; no homozygotes.

Submissions (2):

Labcorp Genetics (formerly Invitae), Labcorp
Classification: Uncertain significance. Last evaluated: 2025-10-11. Review status: criteria provided, single submitter. Criteria: Invitae Variant Classification Sherloc (09022015). Collection method: clinical testing. Allele origin: germline.
Comment: This sequence change replaces alanine, which is neutral and non-polar, with threonine, which is neutral and polar, at codon 728 of the ACAN protein (p.Ala728Thr). This variant is not present in population databases (gnomAD no frequency). This variant has not been reported in the literature in individuals affected with ACAN-related conditions. ClinVar contains an entry for this variant (Variation ID: 2438822). Invitae Evidence Modeling of protein sequence and biophysical properties (such as structural, functional, and spatial information, amino acid conservation, physicochemical variation, residue mobility, and thermodynamic stability) indicates that this missense variant is not expected to disrupt ACAN protein function with a negative predictive value of 80%. In summary, the available evidence is currently insufficient to determine the role of this variant in disease. Therefore, it has been classified as a Variant of Uncertain Significance.

Revvity Omics, Revvity
Classification: Uncertain significance. Last evaluated: 2021-03-29. Review status: criteria provided, single submitter. Criteria: ACMG Guidelines, 2015. Collection method: clinical testing. Allele origin: germline.

NM_001369268.1(ACAN):c.2182G>A (p.Ala728Thr)

Gene: ACAN (aggrecan; plus strand). Cytogenetic location: 15q26.1.
Variant type: single nucleotide variant.
Coding change: c.2182G>A on transcript NM_001369268.1 (MANE Select); coding-DNA position 2182, G replaced by A.
Protein change: p.Ala728Thr; replaces alanine 728 with threonine.
Molecular consequence: missense variant.
Genome position (GRCh38, 1-based): chr15:88,851,949, G>A. VCF-style: chr15-88851949-G-A. GRCh37 (hg19) VCF-style: chr15-89395180-G-A.
Other names: c.2182G>A, p.Ala728Thr (NM_001135.4, NM_001411096.1, NM_001411097.1 and 1 more transcripts); short protein forms A728T.
Identifiers: ClinVar variation 2438822 (VCV002438822.6), dbSNP rs2505295673, ClinGen allele CA393714150.